The following is an entry in ClinVar:

ClinVar aggregate classification (germline): Likely pathogenic (1 of 4 stars; one submission).

Submission:

Dasa
Classification: Likely pathogenic. Last evaluated: 2025-11-12. Review status: criteria provided, single submitter. Criteria: DASA Assertion Criteria. Collection method: clinical testing. Allele origin: germline.
Comment: NM_016648.4(LARP7):c.1087_1091del (p.His363Argfs*4) is a frameshift variant in LARP7 predicted to alter the reading frame and introduce a premature termination codon and is predicted to result in an absent or altered protein product. Loss of function is an established disease mechanism for LARP7-associated disorders. Also, this variant is absent from population databases. Based on the currently available evidence, this variant is classified as likely pathogenic.

NM_016648.4(LARP7):c.1087_1091del (p.His363fs)

Genes: LARP7 (La ribonucleoprotein 7, transcriptional regulator; plus strand), MIR302CHG (miR-302/367 cluster host gene; minus strand). Cytogenetic location: 4q25.
Variant type: Deletion.
Coding change: c.1087_1091del on transcript NM_016648.4 (MANE Select); coding-DNA positions 1087 to 1091, 5 bases deleted (CATAA; older notation c.1087_1091delCATAA).
Protein change: p.His363fs; shifts the reading frame from histidine 363.
Molecular consequence: frameshift variant.
Genome position (GRCh38, 1-based): chr4:112,647,779-112,647,783, CATAA deleted; deleting any 5 consecutive bases within chr4:112,647,777-112,647,783 gives the same sequence; the c. name uses the placement nearest the transcript's 3' end. VCF-style (leftmost placement, unchanged base first): chr4-112647776-AAACAT-A. GRCh37 (hg19) VCF-style: chr4-113568932-AAACAT-A.
Other names: c.1087_1091del, p.His363fs (NM_001267039.4, NM_001370978.1, NM_015454.3); c.1126_1130del, p.His376fs (NM_001370974.1, NM_001370975.1); c.1123_1127del, p.His375fs (NM_001370976.1, NM_001370977.1); c.1084_1088del, p.His362fs (NM_001370979.1, NM_001370980.1); c.850_854del, p.His284fs (NM_001370981.1, NM_001370982.1); short protein forms H284fs, H362fs, H363fs, H375fs, H376fs.
Identifiers: ClinVar variation 4880758 (VCV004880758.2).
Genomic context (GRCh38, chr4:112,647,776, plus strand): 5'-AAGGATACTGGAGATCTAAAAGATAGCTCTCTCTTGAAAACAAAAAGGAAACATAAGAAA[AAACAT>A]AAAGAGAGACATAAAATGGGAGAAGAAGTTATACCATTAAGAGTGCTATCAAAGTAAGTC-3'